The following is an entry in ClinVar:

NM_001127222.2(CACNA1A):c.5878A>C (p.Met1960Leu)

Gene: CACNA1A (calcium voltage-gated channel subunit alpha1 A; minus strand). Cytogenetic location: 19p13.13.
Variant type: single nucleotide variant.
Coding change: c.5878A>C on transcript NM_001127222.2 (MANE Select); coding-DNA position 5878, A replaced by C.
Protein change: p.Met1960Leu; replaces methionine 1960 with leucine.
Molecular consequence: missense variant.
Genome position (GRCh38, 1-based): chr19:13,214,295, T>G on the plus strand (A>C on the coding strand, the complement: CACNA1A is on the minus strand). VCF-style: chr19-13214295-T-G. GRCh37 (hg19) VCF-style: chr19-13325109-T-G.
Other names: c.5896A>C, p.Met1966Leu (NM_000068.4, NM_023035.3); c.5881A>C, p.Met1961Leu (NM_001127221.2); c.5887A>C, p.Met1963Leu (NM_001174080.2); short protein forms M1960L, M1961L, M1963L, M1966L.
Identifiers: ClinVar variation 3366701 (VCV003366701.1).
Genomic context (GRCh38, chr19:13,214,295, plus strand): 5'-GCTCCTCGCGCATGGCCTGCAGCTTCTTGGCCTTGCTCTGCCGGTAGTACTCCATGATCA[T>G]CATGGCTGCGTAGATCTTCCCCACGGTGAGGTCCGTGGCTGGGGGCACACACACGGTGAG-3'
Protein context (NP_001120694.1, residues 1950-1970): LTVGKIYAAM[Met1960Leu]IMEYYRQSKA

ClinVar aggregate classification (germline): Uncertain significance (1 of 4 stars; one submission).

Submission:

Women's Health and Genetics/Laboratory Corporation of America, LabCorp
Classification: Uncertain significance. Last evaluated: 2024-08-20. Review status: criteria provided, single submitter. Criteria: LabCorp Variant Classification Summary - May 2015. Collection method: clinical testing. Allele origin: germline.
Comment: Variant summary: CACNA1A c.5881A>C (p.Met1961Leu) results in a conservative amino acid change located in the Ion transport domain (IPR005821) of the encoded protein sequence. Four of five in-silico tools predict a benign effect of the variant on protein function. The variant was absent in 248122 control chromosomes. The available data on variant occurrences in the general population are insufficient to allow any conclusion about variant significance. To our knowledge, no occurrence of c.5881A>C in individuals affected with Epileptic Encephalopathy, Early Infantile, 42 and no experimental evidence demonstrating its impact on protein function have been reported. No submitters have cited clinical-significance assessments for this variant to ClinVar. Based on the evidence outlined above, the variant was classified as uncertain significance.